The following is an entry in ClinVar:

ClinVar aggregate classification (germline): Pathogenic (1 of 4 stars; one submission).

Conditions:
Familial adenomatous polyposis 2. Also called: MUTYH Polyposis; COLORECTAL ADENOMATOUS POLYPOSIS, AUTOSOMAL RECESSIVE; ADENOMAS, MULTIPLE COLORECTAL, AUTOSOMAL RECESSIVE; MUTYH-associated polyposis; MYH-associated polyposis; MUTYH-related attenuated familial adenomatous polyposis. Identifiers: Orphanet 220460, Orphanet 247798, MedGen C3272841, MONDO:0012041, OMIM 608456.

Submission:

Labcorp Genetics (formerly Invitae), Labcorp
Classification: Pathogenic for Familial adenomatous polyposis 2. Last evaluated: 2022-03-26. Review status: criteria provided, single submitter. Criteria: Invitae Variant Classification Sherloc (09022015). Collection method: clinical testing. Allele origin: germline.
Comment: For these reasons, this variant has been classified as Pathogenic. This variant has not been reported in the literature in individuals affected with MUTYH-related conditions. This variant is not present in population databases (gnomAD no frequency). This sequence change creates a premature translational stop signal (p.Thr467Argfs*4) in the MUTYH gene. It is expected to result in an absent or disrupted protein product. Loss-of-function variants in MUTYH are known to be pathogenic (PMID: 18534194, 20663686).

Literature cited by the submitters: PubMed 18534194; PubMed 20663686.

NM_001048174.2(MUTYH):c.1305_1315dup (p.Thr439delinsArgProGlnTer)

Gene: MUTYH (mutY DNA glycosylase; minus strand). Cytogenetic location: 1p34.1.
Variant type: Duplication.
Coding change: c.1305_1315dup on transcript NM_001048174.2 (MANE Select); coding-DNA positions 1305 to 1315, 11 bases duplicated (GACCCCAGTGA).
Protein change: p.Thr439delinsArgProGlnTer.
Molecular consequence: nonsense. On other transcripts: frameshift variant (19), non-coding transcript variant (2).
Genome position (GRCh38, 1-based): chr1:45,331,259-45,331,269, TCACTGGGGTC duplicated on the plus strand (GACCCCAGTGA on the coding strand, the reverse complement: MUTYH is on the minus strand); duplicating any 11 consecutive bases within chr1:45,331,259-45,331,270 gives the same sequence; the c. name uses the placement nearest the transcript's 3' end. VCF-style (leftmost placement, unchanged base first): chr1-45331258-G-GTCACTGGGGTC. GRCh37 (hg19) VCF-style: chr1-45796930-G-GTCACTGGGGTC.
Other names: c.1305_1315dup, p.Thr439delinsArgProGlnTer (NM_001048171.2, NM_001048173.2, NM_001293195.2); c.1308_1318dup, p.Thr440delinsArgProGlnTer (NM_001048172.2); c.1389_1399dup, p.Thr467delinsArgProGlnTer (NM_001128425.2); c.1350_1360dup, p.Thr454delinsArgProGlnTer (NM_001293190.2); c.1338_1348dup, p.Thr450delinsArgProGlnTer (NM_001293191.2); c.1029_1039dup, p.Thr347delinsArgProGlnTer (NM_001293192.2, NM_001293196.2); c.960_970dup, p.Thr324delinsArgProGlnTer (NM_001350650.2, NM_001350651.2); c.1337_1347dup, p.Thr450Argfs (NM_001407069.1, NM_001407077.1); and 10 more.
Identifiers: ClinVar variation 2117487 (VCV002117487.4), dbSNP rs2523914698, ClinGen allele CA2580062907.